The following is an entry in ClinVar:

ClinVar aggregate classification (germline): Pathogenic (1 of 4 stars; one submission).

Conditions:
Familial cancer of breast. Also called: hereditary breast carcinoma; Hereditary breast cancer; BREAST CANCER, FAMILIAL. Identifiers: Orphanet 227535, MedGen C0346153, MONDO:0016419, OMIM 114480. Disease mechanism: loss of function.

Submission:

Labcorp Genetics (formerly Invitae), Labcorp
Classification: Pathogenic for Familial cancer of breast. Last evaluated: 2022-06-13. Review status: criteria provided, single submitter. Criteria: Invitae Variant Classification Sherloc (09022015). Collection method: clinical testing. Allele origin: germline.
Comment: For these reasons, this variant has been classified as Pathogenic. This variant has not been reported in the literature in individuals affected with CHEK2-related conditions. This variant is not present in population databases (gnomAD no frequency). This sequence change creates a premature translational stop signal (p.Gln11Leufs*49) in the CHEK2 gene. It is expected to result in an absent or disrupted protein product. Loss-of-function variants in CHEK2 are known to be pathogenic (PMID: 21876083, 24713400).

Literature cited by the submitters: PubMed 21876083; PubMed 24713400.

NM_007194.4(CHEK2):c.32_35del (p.Gln11fs)

Gene: CHEK2 (checkpoint kinase 2; minus strand). Cytogenetic location: 22q12.1.
Variant type: Deletion.
Coding change: c.32_35del on transcript NM_007194.4 (MANE Select); coding-DNA positions 32 to 35, 4 bases deleted (AGTC; older notation c.32_35delAGTC).
Protein change: p.Gln11fs; shifts the reading frame from glutamine 11.
Molecular consequence: frameshift variant.
Genome position (GRCh38, 1-based): chr22:28,734,687-28,734,690, GACT deleted on the plus strand (AGTC on the coding strand, the reverse complement: CHEK2 is on the minus strand); deleting any 4 consecutive bases within chr22:28,734,687-28,734,691 gives the same sequence; the c. name uses the placement nearest the transcript's 3' end. VCF-style (leftmost placement, unchanged base first): chr22-28734686-AGACT-A. GRCh37 (hg19) VCF-style: chr22-29130674-AGACT-A.
Other names: c.31_34delCAGT, p.Gln11Leufs (NM_001005735.3, NM_001349956.3, NM_145862.3); c.-747_-744delCAGT (NM_001257387.3); short protein forms Q11fs.
Identifiers: ClinVar variation 1441563 (VCV001441563.7), dbSNP rs2146155758, ClinGen allele CA2573157847.